The following is an entry in ClinVar:

ClinVar aggregate classification (germline): Uncertain significance (1 of 4 stars; one submission).

Submission:

Dasa
Classification: Uncertain significance. Last evaluated: 2026-04-13. Review status: criteria provided, single submitter. Criteria: DASA Assertion Criteria. Collection method: clinical testing. Allele origin: germline.
Comment: NM_001378183.1(PIEZO2):c.6830C>G (p.Thr2277Arg) is a missense variant that results in the substitution of threonine with arginine. This variant is rare in population databases. The currently available literature and clinical evidence are not sufficient to establish a definitive association between this variant and the reported condition. Therefore, this variant is classified as a variant of uncertain significance.

NM_001378183.1(PIEZO2):c.6830C>G (p.Thr2277Arg)

Gene: PIEZO2 (piezo type mechanosensitive ion channel component 2; minus strand). Cytogenetic location: 18p11.22.
Variant type: single nucleotide variant.
Coding change: c.6830C>G on transcript NM_001378183.1 (MANE Select); coding-DNA position 6830, C replaced by G.
Protein change: p.Thr2277Arg; replaces threonine 2277 with arginine.
Molecular consequence: missense variant.
Genome position (GRCh38, 1-based): chr18:10,696,537, G>C on the plus strand (C>G on the coding strand, the complement: PIEZO2 is on the minus strand). VCF-style: chr18-10696537-G-C. GRCh37 (hg19) VCF-style: chr18-10696535-G-C.
Other names: c.6566C>G, p.Thr2189Arg (NM_001410871.1); c.6491C>G, p.Thr2164Arg (NM_022068.4); short protein forms T2164R, T2189R, T2277R.
Identifiers: ClinVar variation 4883530 (VCV004883530.2).
Genomic context (GRCh38, chr18:10,696,537, plus strand): 5'-CTATACTCCGGGTGGATGAGGTTGTAAAAGAACTGTTTGATGGGCACATAGATCTCCAGC[G>C]TCCTGCAAAATGGAGACCCCCACCCCCAACCCACTTGTTTCAGGAAGGGCAGGATGGCAG-3'
Protein context (NP_001365112.1, residues 2267-2287): IKAKAFTIKK[Thr2277Arg]LEIYVPIKQF